The following is an entry in ClinVar:

NM_001330078.2(NRXN1):c.4025C>G (p.Ala1342Gly)

Gene: NRXN1 (neurexin 1; minus strand). Cytogenetic location: 2p16.3.
Variant type: single nucleotide variant.
Coding change: c.4025C>G on transcript NM_001330078.2 (MANE Select); coding-DNA position 4025, C replaced by G.
Protein change: p.Ala1342Gly; replaces alanine 1342 with glycine.
Molecular consequence: missense variant.
Genome position (GRCh38, 1-based): chr2:50,053,374, G>C on the plus strand (C>G on the coding strand, the complement: NRXN1 is on the minus strand). VCF-style: chr2-50053374-G-C. GRCh37 (hg19) VCF-style: chr2-50280512-G-C.
Other names: c.4145C>G, p.Ala1382Gly (NM_001135659.3); c.4001C>G, p.Ala1334Gly (NM_001330077.2, NM_001330082.2); c.3869C>G, p.Ala1290Gly (NM_001330083.2); c.3959C>G, p.Ala1320Gly (NM_001330084.2); c.3998C>G, p.Ala1333Gly (NM_001330085.2); c.4025C>G, p.Ala1342Gly (NM_001330086.2); c.3824C>G, p.Ala1275Gly (NM_001330087.2, NM_001330096.2); c.3854C>G, p.Ala1285Gly (NM_001330088.2); and 6 more; short protein forms A1333G, A1334G, A1295G, A1341G, A277G, A1275G, A1285G, A1312G.
Identifiers: ClinVar variation 3680491 (VCV003680491.2).
Genomic context (GRCh38, chr2:50,053,374, plus strand): 5'-GTGCTAGTAGCCAGGGTCGTGGTAGTCTCCATAATTGATGTGGACATCTCTGATTGCATG[G>C]CAGTGGCTGTTGACTCAGTTGTCATAGAGGAAGGCACTTCACCAACCAGTCTCACATTTC-3'
Protein context (NP_001317007.1, residues 1332-1352): SSMTTESTAT[Ala1342Gly]MQSEMSTSIM

ClinVar aggregate classification (germline): Uncertain significance (1 of 4 stars; one submission).

Conditions:
Pitt-Hopkins-like syndrome 2 (PTHSL2). Identifiers: Orphanet 221150, Orphanet 600663, MedGen C3280479, MONDO:0013690, OMIM 614325.

Submission:

Labcorp Genetics (formerly Invitae), Labcorp
Classification: Uncertain significance for Pitt-Hopkins-like syndrome 2. Last evaluated: 2024-06-05. Review status: criteria provided, single submitter. Criteria: Invitae Variant Classification Sherloc (09022015). Collection method: clinical testing. Allele origin: germline.
Comment: This sequence change replaces alanine, which is neutral and non-polar, with glycine, which is neutral and non-polar, at codon 1382 of the NRXN1 protein (p.Ala1382Gly). This variant is not present in population databases (gnomAD no frequency). This variant has not been reported in the literature in individuals affected with NRXN1-related conditions. Advanced modeling of protein sequence and biophysical properties (such as structural, functional, and spatial information, amino acid conservation, physicochemical variation, residue mobility, and thermodynamic stability) performed at Invitae indicates that this missense variant is not expected to disrupt NRXN1 protein function with a negative predictive value of 80%. In summary, the available evidence is currently insufficient to determine the role of this variant in disease. Therefore, it has been classified as a Variant of Uncertain Significance.